The following is an entry in ClinVar:

NM_001082538.3(TCTN1):c.1759TTC[2] (p.Phe589del)

Gene: TCTN1 (tectonic family member 1; plus strand). Cytogenetic location: 12q24.11.
Variant type: Microsatellite.
Coding change: c.1759TTC[2] on transcript NM_001082538.3 (MANE Select); two copies in a row of the 3-base unit TTC starting at c.1759; the reference has three copies in a row; one copy, 3 bases deleted.
Protein change: p.Phe589del; deletes phenylalanine 589.
Molecular consequence: inframe deletion. On other transcripts: non-coding transcript variant (1).
Genome position (GRCh38, 1-based): chr12:110,647,878-110,647,880, TTC deleted; deleting any 3 consecutive bases within chr12:110,647,871-110,647,880 gives the same sequence; the position shown is the placement nearest the transcript's 3' end. VCF-style (leftmost placement, unchanged base first): chr12-110647870-ACTT-A. GRCh37 (hg19) VCF-style: chr12-111085675-ACTT-A.
Other names: c.1744TTC[2], p.Phe584del (NM_001082537.3); c.1576TTC[2], p.Phe528del (NM_001173975.3); c.1432TTC[2], p.Phe480del (NM_001173976.2); c.1597TTC[2], p.Phe535del (NM_001319680.2); c.1210TTC[2], p.Phe406del (NM_001319681.2); c.1702TTC[2], p.Phe570del (NM_024549.6); short protein forms F535del, F406del, F528del, F584del, F589del, F480del, F570del.
Identifiers: ClinVar variation 2046427 (VCV002046427.4), dbSNP rs1482826487, ClinGen allele CA683498673.

ClinVar aggregate classification (germline): Uncertain significance (1 of 4 stars; one submission).

Conditions:
Joubert syndrome. Also called: CEREBELLOPARENCHYMAL DISORDER IV; JOUBERT-BOLTSHAUSER SYNDROME; Familial aplasia of the vermis. Identifiers: Orphanet 475, MedGen C5979921, MONDO:0018772.
Meckel-Gruber syndrome. Also called: DYSENCEPHALIA SPLANCHNOCYSTICA; GRUBER SYNDROME; Dysencephalia splachnocystica. Identifiers: Orphanet 564, MedGen C0265215, MONDO:0018921.

Submission:

Labcorp Genetics (formerly Invitae), Labcorp
Classification: Uncertain significance for Joubert syndrome; Meckel-Gruber syndrome. Last evaluated: 2025-12-03. Review status: criteria provided, single submitter. Criteria: Invitae Variant Classification Sherloc (09022015). Collection method: clinical testing. Allele origin: germline.
Comment: This variant, c.1765_1767del, results in the deletion of 1 amino acid(s) of the TCTN1 protein (p.Phe589del), but otherwise preserves the integrity of the reading frame. This variant is not present in population databases (gnomAD no frequency). This variant has not been reported in the literature in individuals affected with TCTN1-related conditions. Experimental studies and prediction algorithms are not available or were not evaluated, and the functional significance of this variant is currently unknown. In summary, the available evidence is currently insufficient to determine the role of this variant in disease. Therefore, it has been classified as a Variant of Uncertain Significance.